The following is an entry in ClinVar:

NM_001267550.2(TTN):c.76512_76513insGAAAAAAAAAAAAAAAAGAAAAA (p.Leu25505fs)

Genes: TTN (titin; minus strand), TTN-AS1 (TTN antisense RNA 1; plus strand). Cytogenetic location: 2q31.2.
Variant type: Microsatellite.
Coding change: c.76512_76513insGAAAAAAAAAAAAAAAAGAAAAA on transcript NM_001267550.2 (MANE Select); coding-DNA positions 76512 to 76513, GAAAAAAAAAAAAAAAAGAAAAA inserted.
Protein change: p.Leu25505fs; shifts the reading frame from leucine 25505.
Molecular consequence: frameshift variant.
Genome position: GRCh38 VCF-style: chr2-178569619-A-ATTTTTCTTTTTTTTTTTTTTTTC. GRCh37 (hg19) VCF-style: chr2-179434346-A-ATTTTTCTTTTTTTTTTTTTTTTC.
Other names: c.71589_71590insGAAAAAAAAAAAAAAAAGAAAAA, p.Leu23864fs (NM_001256850.1); c.49317_49318insGAAAAAAAAAAAAAAAAGAAAAA, p.Leu16440fs (NM_003319.4); c.68808_68809insGAAAAAAAAAAAAAAAAGAAAAA, p.Leu22937fs (NM_133378.4); c.49692_49693insGAAAAAAAAAAAAAAAAGAAAAA, p.Leu16565fs (NM_133432.3); c.49893_49894insGAAAAAAAAAAAAAAAAGAAAAA, p.Leu16632fs (NM_133437.4); short protein forms L16440fs, L16632fs, E25503del, L22937fs, L23864fs, L16565fs, L25505fs.
Identifiers: ClinVar variation 4787091 (VCV004787091.1).

ClinVar aggregate classification (germline): Likely pathogenic (1 of 4 stars; one submission).

Conditions:
Autosomal recessive limb-girdle muscular dystrophy type 2J (LGMDR10). Also called: Limb-girdle muscular dystrophy, type 2J; MUSCULAR DYSTROPHY, LIMB-GIRDLE, AUTOSOMAL RECESSIVE 10. Identifiers: Orphanet 140922, MedGen C1837342, MONDO:0012127, OMIM 608807.
Dilated cardiomyopathy 1G (CMD1G). Identifiers: Orphanet 154, MedGen C1858763, MONDO:0011400, OMIM 604145.

Submission:

Labcorp Genetics (formerly Invitae), Labcorp
Classification: Likely pathogenic for Dilated cardiomyopathy 1G; Autosomal recessive limb-girdle muscular dystrophy type 2J. Last evaluated: 2025-12-21. Review status: criteria provided, single submitter. Criteria: Invitae Variant Classification Sherloc (09022015). Collection method: clinical testing. Allele origin: germline.
Comment: This sequence change creates a premature translational stop signal (p.Leu25505Glufs*9) in the TTN gene. While this is not anticipated to result in nonsense mediated decay, it is expected to create a truncated TTN protein. This variant is not present in population databases (gnomAD no frequency). This premature translational stop signal has been observed in individual(s) with non-ischemic cardiomyopathy (internal data). This variant is located in the A band of TTN (PMID: 25589632). Truncating variants in this region are significantly overrepresented in patients affected with dilated cardiomyopathy (PMID: 25589632). Truncating variants in this region have also been reported in individuals affected with autosomal recessive centronuclear myopathy (PMID: 23975875). In summary, the currently available evidence indicates that the variant is pathogenic, but additional data are needed to prove that conclusively. Therefore, this variant has been classified as Likely Pathogenic.

Literature cited by the submitters: PubMed 25589632; PubMed 23975875.